The following is an entry in ClinVar:

ClinVar aggregate classification (germline): Uncertain significance (1 of 4 stars; one submission).

Conditions:
Fanconi anemia (FA). Also called: Fanconi's anemia. Identifiers: Orphanet 84, MedGen C0015625, MeSH D005199, MONDO:0019391.

gnomAD v4.1: 3 of 1,614,124 alleles (0.00019%); highest among the groups gnomAD compares: Middle Eastern, 0.033%; 1 homozygote.

Submission:

Labcorp Genetics (formerly Invitae), Labcorp
Classification: Uncertain significance for Fanconi anemia. Last evaluated: 2024-04-11. Review status: criteria provided, single submitter. Criteria: Invitae Variant Classification Sherloc (09022015). Collection method: clinical testing. Allele origin: germline.
Comment: This sequence change replaces arginine, which is basic and polar, with leucine, which is neutral and non-polar, at codon 204 of the SLX4 protein (p.Arg204Leu). This variant is not present in population databases (gnomAD no frequency). This variant has not been reported in the literature in individuals affected with SLX4-related conditions. An algorithm developed to predict the effect of missense changes on protein structure and function (PolyPhen-2) suggests that this variant is likely to be disruptive. Algorithms developed to predict the effect of sequence changes on RNA splicing suggest that this variant may create or strengthen a splice site. In summary, the available evidence is currently insufficient to determine the role of this variant in disease. Therefore, it has been classified as a Variant of Uncertain Significance.

NM_032444.4(SLX4):c.611G>T (p.Arg204Leu)

Gene: SLX4 (SLX4 structure-specific endonuclease subunit; minus strand). Cytogenetic location: 16p13.3.
Variant type: single nucleotide variant.
Coding change: c.611G>T on transcript NM_032444.4 (MANE Select); coding-DNA position 611, G replaced by T.
Protein change: p.Arg204Leu; replaces arginine 204 with leucine.
Molecular consequence: missense variant.
Genome position (GRCh38, 1-based): chr16:3,606,623, C>A on the plus strand (G>T on the coding strand, the complement: SLX4 is on the minus strand). VCF-style: chr16-3606623-C-A. GRCh37 (hg19) VCF-style: chr16-3656624-C-A.
Other names: short protein forms R204L.
Identifiers: ClinVar variation 3628062 (VCV003628062.2).